The following is an entry in ClinVar:

ClinVar aggregate classification (germline): Pathogenic. Review status: criteria provided, multiple submitters, no conflicts (2 of 4 stars). 2 submissions from 2 submitters: Pathogenic (2). Last evaluated 2025-02-26.

Conditions:
Autosomal recessive congenital ichthyosis 1 (LI1). Also called: COLLODION FETUS; DESQUAMATION OF NEWBORN; ICHTHYOSIS CONGENITA; ICHTHYOSIS CONGENITA II; LAMELLAR EXFOLIATION OF NEWBORN; ICHTHYOSIS, CONGENITAL, AUTOSOMAL RECESSIVE 1, WITH OR WITHOUT BATHING SUIT DISTRIBUTION. Identifiers: MedGen C4551630, MONDO:0009441, OMIM 242300.

Submissions (2):

Myriad Genetics, Inc.
Classification: Pathogenic for Autosomal recessive congenital ichthyosis 1. Last evaluated: 2025-02-26. Review status: criteria provided, single submitter. Criteria: Myriad Autosomal Dominant, Autosomal Recessive and X-Linked Classification Criteria (2023). Collection method: clinical testing. Allele origin: unknown.
Comment: NM_000359.2(TGM1):c.519delC(E174Rfs*8) is expected to be pathogenic in the context of TGM1-related autosomal recessive congenital ichthyosis. This variant is predicted to lead to an abnormal or absent protein product due to the creation of a premature termination codon in TGM1, a gene where loss-of-function variants are known to be pathogenic. Please note: this variant was assessed in the context of healthy population screening.

Labcorp Genetics (formerly Invitae), Labcorp
Classification: Pathogenic. Last evaluated: 2023-09-12. Review status: criteria provided, single submitter. Criteria: Invitae Variant Classification Sherloc (09022015). Collection method: clinical testing. Allele origin: germline.
Comment: This sequence change creates a premature translational stop signal (p.Glu174Argfs*8) in the TGM1 gene. It is expected to result in an absent or disrupted protein product. Loss-of-function variants in TGM1 are known to be pathogenic (PMID: 18948357, 19241467). For these reasons, this variant has been classified as Pathogenic. This variant has not been reported in the literature in individuals affected with TGM1-related conditions. This variant is not present in population databases (gnomAD no frequency).

Literature cited by the submitters: PubMed 18948357 (cited by Labcorp Genetics (formerly Invitae), Labcorp); PubMed 19241467 (cited by Labcorp Genetics (formerly Invitae), Labcorp).

NM_000359.3(TGM1):c.519del (p.Glu174fs)

Gene: TGM1 (transglutaminase 1; minus strand). Cytogenetic location: 14q12.
Variant type: Deletion.
Coding change: c.519del on transcript NM_000359.3 (MANE Select); coding-DNA position 519, one base deleted (C; older notation c.519delC).
Protein change: p.Glu174fs; shifts the reading frame from glutamic acid 174.
Molecular consequence: frameshift variant.
Genome position (GRCh38, 1-based): chr14:24,260,688, G deleted on the plus strand (C on the coding strand, the reverse complement: TGM1 is on the minus strand); the first of 4 consecutive G bases (chr14:24,260,688-24,260,691); deleting any one gives the same sequence. VCF-style (leftmost placement, unchanged base first): chr14-24260687-CG-C. GRCh37 (hg19) VCF-style: chr14-24729893-CG-C.
Other names: short protein forms E174fs.
Identifiers: ClinVar variation 2760330 (VCV002760330.4), dbSNP rs2502506220, ClinGen allele CA2624348439.